The following is an entry in ClinVar:

NM_007194.4(CHEK2):c.908+2dup

Gene: CHEK2 (checkpoint kinase 2; minus strand). Cytogenetic location: 22q12.1.
Variant type: Duplication.
Coding change: c.908+2dup on transcript NM_007194.4 (MANE Select); the canonical splice donor site of the intron after coding-DNA position 908, one base duplicated (T; older notation c.908+2dupT).
Molecular consequence: splice donor variant.
Genome position (GRCh38, 1-based): chr22:28,703,503, A duplicated on the plus strand (T on the coding strand, the reverse complement: CHEK2 is on the minus strand). VCF-style (leftmost placement, unchanged base first): chr22-28703502-T-TA. GRCh37 (hg19) VCF-style: chr22-29099490-T-TA.
Other names: c.245+2dup (NM_001437942.1, NM_001257387.3); c.707+2dup (NM_001349956.3); c.908+2dup (NM_145862.3); c.1001+2dup (NM_001438295.1, NM_001438293.1); c.1037+2dup (NM_001438294.1, NM_001005735.3); c.908+2dupT (NM_007194.3).
Identifiers: ClinVar variation 2680760 (VCV002680760.3), dbSNP rs2517884793, ClinGen allele CA2695200090.

ClinVar aggregate classification (germline): Conflicting classifications of pathogenicity. Review status: criteria provided, conflicting classifications (1 of 4 stars). 2 submissions from 2 submitters: Likely pathogenic (1); Uncertain significance (1). Last evaluated 2026-03-31.

Conditions:
Hereditary cancer-predisposing syndrome. Also called: Tumor predisposition; Hereditary neoplastic syndrome; Neoplastic Syndromes, Hereditary; Hereditary Cancer Syndrome. Identifiers: Orphanet 140162, MedGen C0027672, MeSH D009386, MONDO:0015356.
Familial cancer of breast. Also called: hereditary breast carcinoma; Hereditary breast cancer; BREAST CANCER, FAMILIAL. Identifiers: Orphanet 227535, MedGen C0346153, MONDO:0016419, OMIM 114480. Disease mechanism: loss of function.

Submissions (2):

Ambry Genetics
Classification: Uncertain significance for Hereditary cancer-predisposing syndrome. Last evaluated: 2026-03-31. Review status: criteria provided, single submitter. Criteria: Ambry Variant Classification Scheme 2023. Collection method: clinical testing. Allele origin: germline.
Comment: The c.908+2dupT intronic variant is located 2 nucleotides after coding exon 7 of the CHEK2 gene. This variant results from a duplication of one nucleotide at position c.908+2. This nucleotide position is highly conserved in available vertebrate species. In silico splice site analysis predicts that this alteration will weaken the native splice donor site; however, direct evidence is insufficient at this time (Ambry internal data). Based on the available evidence, the clinical significance of this variant remains unclear.

Baylor Genetics
Classification: Likely pathogenic for Familial cancer of breast. Last evaluated: 2022-11-02. Review status: criteria provided, single submitter. Criteria: ACMG Guidelines, 2015. Collection method: clinical testing. Allele origin: unknown.